The following is an entry in ClinVar:

ClinVar aggregate classification (germline): Conflicting classifications of pathogenicity. Review status: criteria provided, conflicting classifications (1 of 4 stars). 2 submissions from 2 submitters: Likely pathogenic (1); Uncertain significance (1). Last evaluated 2025-07-01.

Submissions (2):

CeGaT Center for Human Genetics Tuebingen
Classification: Likely pathogenic. Last evaluated: 2025-07-01. Review status: criteria provided, single submitter. Criteria: CeGaT Center For Human Genetics Tuebingen Variant Classification Criteria Version 2. Collection method: clinical testing. Allele origin: germline. Affected: yes. Observed: 1 variant allele.
Comment: COMP: PM1, PM2, PM5

Blueprint Genetics
Classification: Uncertain significance. Last evaluated: 2020-07-10. Review status: criteria provided, single submitter. Criteria: ACMG Guidelines, 2015. Collection method: clinical testing. Allele origin: germline.

NM_000095.3(COMP):c.1450T>C (p.Cys484Arg)

Gene: COMP (cartilage oligomeric matrix protein; minus strand). Cytogenetic location: 19p13.11.
Variant type: single nucleotide variant.
Coding change: c.1450T>C on transcript NM_000095.3 (MANE Select); coding-DNA position 1450, T replaced by C.
Protein change: p.Cys484Arg; replaces cysteine 484 with arginine.
Molecular consequence: missense variant.
Genome position (GRCh38, 1-based): chr19:18,786,004, A>G on the plus strand (T>C on the coding strand, the complement: COMP is on the minus strand). VCF-style: chr19-18786004-A-G. GRCh37 (hg19) VCF-style: chr19-18896814-A-G.
Other names: short protein forms C484R.
Identifiers: ClinVar variation 4085378 (VCV004085378.9).